The following is an entry in ClinVar:

NM_016239.4(MYO15A):c.4191C>T (p.Ser1397=)

Gene: MYO15A (myosin XVA; plus strand). Cytogenetic location: 17p11.2.
Variant type: single nucleotide variant.
Coding change: c.4191C>T on transcript NM_016239.4 (MANE Select); coding-DNA position 4191, C replaced by T.
Protein change: p.Ser1397=; no amino-acid change (serine 1397 retained).
Molecular consequence: synonymous variant.
Genome position (GRCh38, 1-based): chr17:18,131,516, C>T. VCF-style: chr17-18131516-C-T. GRCh37 (hg19) VCF-style: chr17-18034830-C-T.
Identifiers: ClinVar variation 3704908 (VCV003704908.2).
Genomic context (GRCh38, chr17:18,131,516, plus strand): 5'-TCCCCACCCCAGGGGCGTGATCTCTGGTGCCATAACCTCCCAGTACCTGCTTGAGAAATC[C>T]AGGATCGTGTTTCAGGTGGGCCACCCCCTCCCAGGCCTCTGTGTTGGGCAGGGTCGGGGT-3'
Protein context (NP_057323.3, residues 1387-1407): AITSQYLLEK[Ser1397=]RIVFQAKNER

ClinVar aggregate classification (germline): Uncertain significance (1 of 4 stars; one submission).

gnomAD v4.1: 22 of 1,613,862 alleles (0.0014%); highest among the groups gnomAD compares: Non-Finnish European, 0.0019%; no homozygotes.

Submission:

Labcorp Genetics (formerly Invitae), Labcorp
Classification: Uncertain significance. Last evaluated: 2025-10-23. Review status: criteria provided, single submitter. Criteria: Invitae Variant Classification Sherloc (09022015). Collection method: clinical testing. Allele origin: germline.
Comment: This sequence change affects codon 1397 of the MYO15A mRNA. It is a 'silent' change, meaning that it does not change the encoded amino acid sequence of the MYO15A protein. This variant is present in population databases (rs752589707, gnomAD 0.006%). This variant has been observed in individual(s) with bilateral sensorineural hearing impairment (internal data). In at least one individual the data is consistent with being in trans (on the opposite chromosome) from a pathogenic variant. ClinVar contains an entry for this variant (Variation ID: 3704908). Algorithms developed to predict the effect of sequence changes on RNA splicing suggest that this variant may disrupt the consensus splice site. In summary, the available evidence is currently insufficient to determine the role of this variant in disease. Therefore, it has been classified as a Variant of Uncertain Significance.